The following is an entry in ClinVar:

ClinVar aggregate classification (germline): Uncertain significance (1 of 4 stars; one submission).

Allele frequency attached by ClinVar (database versions not stated): TOPMed below 0.00001; ExAC 0.00001.
gnomAD v4.1: 14 of 1,611,774 alleles (0.00087%); highest among the groups gnomAD compares: East Asian, 0.0045%; no homozygotes.

Submission:

Labcorp Genetics (formerly Invitae), Labcorp
Classification: Uncertain significance. Last evaluated: 2022-03-10. Review status: criteria provided, single submitter. Criteria: Invitae Variant Classification Sherloc (09022015). Collection method: clinical testing. Allele origin: germline.
Comment: This sequence change replaces alanine, which is neutral and non-polar, with threonine, which is neutral and polar, at codon 319 of the TUBGCP6 protein (p.Ala319Thr). The frequency data for this variant in the population databases is considered unreliable, as metrics indicate poor data quality at this position in the gnomAD database. This variant has not been reported in the literature in individuals affected with TUBGCP6-related conditions. Algorithms developed to predict the effect of missense changes on protein structure and function output the following: SIFT: "Tolerated"; PolyPhen-2: "Benign"; Align-GVGD: "Class C0". The threonine amino acid residue is found in multiple mammalian species, which suggests that this missense change does not adversely affect protein function. In summary, the available evidence is currently insufficient to determine the role of this variant in disease. Therefore, it has been classified as a Variant of Uncertain Significance.

NM_020461.4(TUBGCP6):c.955G>A (p.Ala319Thr)

Gene: TUBGCP6 (tubulin gamma complex component 6; minus strand). Cytogenetic location: 22q13.33.
Variant type: single nucleotide variant.
Coding change: c.955G>A on transcript NM_020461.4 (MANE Select); coding-DNA position 955, G replaced by A.
Protein change: p.Ala319Thr; replaces alanine 319 with threonine.
Molecular consequence: missense variant.
Genome position (GRCh38, 1-based): chr22:50,233,477, C>T on the plus strand (G>A on the coding strand, the complement: TUBGCP6 is on the minus strand). VCF-style: chr22-50233477-C-T. GRCh37 (hg19) VCF-style: chr22-50671906-C-T.
Other names: short protein forms A319T.
Identifiers: ClinVar variation 1927013 (VCV001927013.2), dbSNP rs752206409, ClinGen allele CA10308876.
Genomic context (GRCh38, chr22:50,233,477, plus strand): 5'-GGACGCCCCCAGCAAGCAGCTGGAGCTCCCCTTGGTGGAGCCTGCAGAACTTGTCGAAAG[C>T]GTCCCTTCCCGCCTCCGTCAGGTAAGGCTCCTCTCTGTGGCCAGGGGGGCTGCGAGGGGT-3'
Protein context (NP_065194.3, residues 309-329): EPYLTEAGRD[Ala319Thr]FDKFCRLHQG